The following is an entry in ClinVar:

ClinVar aggregate classification (germline): Pathogenic (1 of 4 stars; one submission).

Conditions:
Chromosome 22q11.2 deletion syndrome, distal. Identifiers: Orphanet 261330, MedGen C2678480, MONDO:0012740, OMIM 611867.

Submission:

Mendelics
Classification: Pathogenic for Chromosome 22q11.2 deletion syndrome, distal. Last evaluated: 2026-03-28. Review status: criteria provided, single submitter. Criteria: ACMG Guidelines, 2015. Collection method: clinical testing. Allele origin: unknown.
Comment: Large (2.2 Mbp) deletion in 22q11.21.

Single allele

Genes: AIFM3 (AIF family member 3; plus strand), ARVCF (ARVCF delta catenin family member; minus strand), C22orf39 (chromosome 22 open reading frame 39; minus strand), CCDC188 (coiled-coil domain containing 188; minus strand), CDC45 (cell division cycle 45; plus strand) and 173 more. Cytogenetic location: 22q11.21.
Variant type: Deletion.
Identifiers: ClinVar variation 4820242 (VCV004820242.1).